The following is an entry in ClinVar:

ClinVar aggregate classification (germline): Likely benign (1 of 4 stars; one submission).

gnomAD v4.1: 14 of 1,457,456 alleles (0.00096%); highest among the groups gnomAD compares: South Asian, 0.0027%; no homozygotes.

Submission:

CeGaT Center for Human Genetics Tuebingen
Classification: Likely benign. Last evaluated: 2026-06-01. Review status: criteria provided, single submitter. Criteria: CeGaT Center For Human Genetics Tuebingen Variant Classification Criteria Version 2. Collection method: clinical testing. Allele origin: germline. Affected: yes. Observed: 1 variant allele.
Comment: BICRA: BS2

NM_001394372.1(BICRA):c.1835C>A (p.Thr612Asn)

Gene: BICRA (BRD4 interacting chromatin remodeling complex associated protein; plus strand). Cytogenetic location: 19q13.33.
Variant type: single nucleotide variant.
Coding change: c.1835C>A on transcript NM_001394372.1 (MANE Select); coding-DNA position 1835, C replaced by A.
Protein change: p.Thr612Asn; replaces threonine 612 with asparagine.
Molecular consequence: missense variant.
Genome position (GRCh38, 1-based): chr19:47,681,005, C>A. VCF-style: chr19-47681005-C-A. GRCh37 (hg19) VCF-style: chr19-48184262-C-A.
Other names: c.1835C>A, p.Thr612Asn (NM_015711.3); short protein forms T612N.
Identifiers: ClinVar variation 4873047 (VCV004873047.2).